The following is an entry in ClinVar:

ClinVar aggregate classification (germline): Benign/Likely benign. Review status: criteria provided, multiple submitters, no conflicts (2 of 4 stars). 7 submissions from 7 submitters: Benign (1); Likely benign (5). 1 of the submissions does not count toward it. Last evaluated 2026-09-01.

Conditions:
Lung cancer. Also called: Lung cancer, somatic; Malignant tumor of lung. Identifiers: MedGen C0242379, MONDO:0008903, OMIM 211980.
Hereditary cancer-predisposing syndrome. Also called: Neoplastic Syndromes, Hereditary; Hereditary neoplastic syndrome; Hereditary Cancer Syndrome; Tumor predisposition. Identifiers: Orphanet 140162, MedGen C0027672, MeSH D009386, MONDO:0015356.
EGFR-related lung cancer (EGFR). Identifiers: MedGen CN130014.

Allele frequency attached by ClinVar (database versions not stated): TOPMed 0.00065; ESP Exome Variant Server 0.00038; 1000 Genomes Project 0.00060; gnomAD exomes 0.00042 and 0.00059; gnomAD 0.00046 and 0.00045; ExAC 0.00049; 1000 Genomes Project 30x 0.00078.
gnomAD v4.1: 734 of 1,614,120 alleles (0.045%); highest among the groups gnomAD compares: Middle Eastern, 0.25%; 2 homozygotes.

Submissions (7):

CeGaT Center for Human Genetics Tuebingen
Classification: Likely benign. Last evaluated: 2026-09-01. Review status: criteria provided, single submitter. Criteria: CeGaT Center For Human Genetics Tuebingen Variant Classification Criteria Version 2. Collection method: clinical testing. Allele origin: germline. Affected: yes. Observed: 5 variant alleles.
Comment: EGFR: BP4, BP7

Labcorp Genetics (formerly Invitae), Labcorp
Classification: Benign for EGFR-related lung cancer. Last evaluated: 2026-02-03. Review status: criteria provided, single submitter. Criteria: Invitae Variant Classification Sherloc (09022015). Collection method: clinical testing. Allele origin: germline.

Blueprint Genetics
Classification: Likely benign. Last evaluated: 2024-10-30. Review status: criteria provided, single submitter. Criteria: ACMG Guidelines, 2015. Collection method: clinical testing. Allele origin: germline.

Ambry Genetics
Classification: Likely benign for Hereditary cancer-predisposing syndrome. Last evaluated: 2024-08-21. Review status: criteria provided, single submitter. Criteria: Ambry Variant Classification Scheme 2023. Collection method: clinical testing. Allele origin: germline.

KCCC/NGS Laboratory, Kuwait Cancer Control Center
Classification: Likely benign for Lung cancer. Last evaluated: 2023-07-07. Review status: criteria provided, single submitter. Criteria: ACMG Guidelines, 2015. Collection method: clinical testing. Allele origin: germline. Affected: yes.

Sema4
Classification: Likely benign for Hereditary cancer-predisposing syndrome. Last evaluated: 2021-04-06. Review status: criteria provided, single submitter. Criteria: Sema4 Curation Guidelines. Collection method: curation. Allele origin: germline.

Laboratory for Molecular Medicine, Mass General Brigham Personalized Medicine
Classification: Likely benign. Last evaluated: 2009-05-27. Review status: no assertion criteria provided. Collection method: clinical testing. Allele origin: somatic. Observed: 8 variant alleles. Not counted in ClinVar's aggregate classification.

NM_005228.5(EGFR):c.2748C>T (p.Asp916=)

Gene: EGFR (epidermal growth factor receptor; plus strand). Cytogenetic location: 7p11.2.
Variant type: single nucleotide variant.
Coding change: c.2748C>T on transcript NM_005228.5 (MANE Select); coding-DNA position 2748, C replaced by T.
Protein change: p.Asp916=; no amino-acid change (aspartic acid 916 retained).
Molecular consequence: synonymous variant.
Genome position (GRCh38, 1-based): chr7:55,198,763, C>T. VCF-style: chr7-55198763-C-T. GRCh37 (hg19) VCF-style: chr7-55266456-C-T.
Other names: c.2748C>T (NM_005228.4); c.2613C>T, p.Asp871= (NM_001346897.2, NM_001346899.2); c.2748C>T, p.Asp916= (NM_001346898.2); c.2589C>T, p.Asp863= (NM_001346900.2); c.1947C>T, p.Asp649= (NM_001346941.2).
Identifiers: ClinVar variation 45296 (VCV000045296.42), dbSNP rs41396448, ClinGen allele CA135965.